The following is an entry in ClinVar:

NM_000069.3(CACNA1S):c.5489C>G (p.Thr1830Arg)

Gene: CACNA1S (calcium voltage-gated channel subunit alpha1 S; minus strand). Cytogenetic location: 1q32.1.
Variant type: single nucleotide variant.
Coding change: c.5489C>G on transcript NM_000069.3 (MANE Select); coding-DNA position 5489, C replaced by G.
Protein change: p.Thr1830Arg; replaces threonine 1830 with arginine.
Molecular consequence: missense variant.
Genome position (GRCh38, 1-based): chr1:201,039,964, G>C on the plus strand (C>G on the coding strand, the complement: CACNA1S is on the minus strand). VCF-style: chr1-201039964-G-C. GRCh37 (hg19) VCF-style: chr1-201009092-G-C.
Other names: short protein forms T1830R.
Identifiers: ClinVar variation 496656 (VCV000496656.4), dbSNP rs1553247295, ClinGen allele CA344128899.

ClinVar aggregate classification (germline): Uncertain significance. Review status: criteria provided, multiple submitters, no conflicts (2 of 4 stars). 2 submissions from 2 submitters: Uncertain significance (2). Last evaluated 2026-03-24.

Conditions:
Malignant hyperthermia of anesthesia. Also called: Anesthesic-triggered malignant hyperthermia. Identifiers: Orphanet 423, MedGen C0024591, MONDO:0018493, HP:0034733.

Submissions (2):

Women's Health and Genetics/Laboratory Corporation of America, LabCorp
Classification: Uncertain significance. Last evaluated: 2026-03-24. Review status: criteria provided, single submitter. Criteria: LabCorp Variant Classification Summary - May 2015. Collection method: clinical testing. Allele origin: germline.
Comment: Variant summary: CACNA1S c.5489C>G (p.Thr1830Arg) results in a non-conservative amino acid change in the encoded protein sequence. Algorithms developed to predict the effect of missense changes on protein structure and function are either unavailable or do not agree on the potential impact of this missense change. The variant was absent in 251400 control chromosomes. The available data on variant occurrences in the general population are insufficient to allow any conclusion about variant significance. To our knowledge, no occurrence of c.5489C>G in individuals affected with CACNA1S-related conditions and no experimental evidence demonstrating its impact on protein function have been reported. ClinVar contains an entry for this variant (Variation ID: 496656). Based on the evidence outlined above, the variant was classified as uncertain significance.

CSER _CC_NCGL, University of Washington
Classification: Uncertain significance for Malignant hyperthermia. Last evaluated: 2016-10-01. Review status: criteria provided, single submitter. Criteria: Amendola et al. (Genome Res. 2015). Collection method: research. Allele origin: germline. Affected: no. Study: CSER - NEXT Medicine variant annotation.
Comment: This interpretation considers GERP score and allele frequency data, in addition to published reports of the variant in the literature, available at the time of review.